The following is an entry in ClinVar:

NM_001346754.2(PIGW):c.1050_1061del (p.Phe351_Leu354del)

Genes: MYO19 (myosin XIX; minus strand), PIGW (phosphatidylinositol glycan anchor biosynthesis class W; plus strand). Cytogenetic location: 17q12.
Variant type: Deletion.
Coding change: c.1050_1061del on transcript NM_001346754.2 (MANE Select); coding-DNA positions 1050 to 1061, 12 bases deleted (CTTCATATCTCT).
Protein change: p.Phe351_Leu354del.
Molecular consequence: inframe deletion.
Genome position (GRCh38, 1-based): chr17:36,538,151-36,538,162, CTTCATATCTCT deleted; deleting any 12 consecutive bases within chr17:36,538,149-36,538,162 gives the same sequence; the c. name uses the placement nearest the transcript's 3' end. VCF-style (leftmost placement, unchanged base first): chr17-36538148-CCTCTTCATATCT-C. GRCh37 (hg19) VCF-style: chr17-34893997-CCTCTTCATATCT-C.
Other names: c.1050_1061del, p.Phe351_Leu354del (NM_001346755.2, NM_178517.5).
Identifiers: ClinVar variation 992266 (VCV000992266.1), dbSNP rs2074169001, ClinGen allele CA1139665501.

ClinVar aggregate classification (germline): Uncertain significance (1 of 4 stars; one submission).

Submission:

Women's Health and Genetics/Laboratory Corporation of America, LabCorp
Classification: Uncertain significance. Last evaluated: 2020-12-21. Review status: criteria provided, single submitter. Criteria: LabCorp Variant Classification Summary - May 2015. Collection method: clinical testing. Allele origin: germline.
Comment: Variant summary: PIGW c.1050_1061del12 (p.Phe351_Leu354del) results in an in-frame deletion that is predicted to remove 4 amino acids from the encoded protein. The variant was absent in 251174 control chromosomes (gnomAD). The available data on variant occurrences in the general population are insufficient to allow any conclusion about variant significance. To our knowledge, no occurrence of c.1050_1061del12 in individuals affected with Hyperphosphatasia with Mental Retardation Syndrome 5 and no experimental evidence demonstrating its impact on protein function have been reported. No clinical diagnostic laboratories have submitted clinical-significance assessments for this variant to ClinVar after 2014. Based on the evidence outlined above, the variant was classified as uncertain significance.